The following is an entry in ClinVar:

NM_001367624.2(ZNF469):c.2848C>T (p.Gln950Ter)

Gene: ZNF469 (zinc finger protein 469; plus strand). Cytogenetic location: 16q24.2.
Variant type: single nucleotide variant.
Coding change: c.2848C>T on transcript NM_001367624.2 (MANE Select); coding-DNA position 2848, C replaced by T.
Protein change: p.Gln950Ter; replaces glutamine 950 with a stop codon.
Molecular consequence: nonsense.
Genome position (GRCh38, 1-based): chr16:88,430,318, C>T. VCF-style: chr16-88430318-C-T. GRCh37 (hg19) VCF-style: chr16-88496726-C-T.
Other names: short protein forms Q950*.
Identifiers: ClinVar variation 2859330 (VCV002859330.3), dbSNP rs1906054627, ClinGen allele CA397075786.

ClinVar aggregate classification (germline): Pathogenic (1 of 4 stars; one submission).

Submission:

Labcorp Genetics (formerly Invitae), Labcorp
Classification: Pathogenic. Last evaluated: 2023-04-26. Review status: criteria provided, single submitter. Criteria: Invitae Variant Classification Sherloc (09022015). Collection method: clinical testing. Allele origin: germline.
Comment: For these reasons, this variant has been classified as Pathogenic. This variant has not been reported in the literature in individuals affected with ZNF469-related conditions. This variant is not present in population databases (gnomAD no frequency). This sequence change creates a premature translational stop signal (p.Gln950*) in the ZNF469 gene. It is expected to result in an absent or disrupted protein product. Loss-of-function variants in ZNF469 are known to be pathogenic (PMID: 23642083, 23680354).

Literature cited by the submitters: PubMed 23642083; PubMed 23680354.